The following is an entry in ClinVar:

NM_005144.5(HR):c.1907A>G (p.Glu636Gly)

Gene: HR (HR lysine demethylase and nuclear receptor corepressor; minus strand). Cytogenetic location: 8p21.3.
Variant type: single nucleotide variant.
Coding change: c.1907A>G on transcript NM_005144.5 (MANE Select); coding-DNA position 1907, A replaced by G.
Protein change: p.Glu636Gly; replaces glutamic acid 636 with glycine.
Molecular consequence: missense variant.
Genome position (GRCh38, 1-based): chr8:22,123,657, T>C on the plus strand (A>G on the coding strand, the complement: HR is on the minus strand). VCF-style: chr8-22123657-T-C. GRCh37 (hg19) VCF-style: chr8-21981170-T-C.
Other names: c.1907A>G, p.Glu636Gly (NM_018411.4); short protein forms E636G.
Identifiers: ClinVar variation 362506 (VCV000362506.10), dbSNP rs75362423, ClinGen allele CA4662321.
Genomic context (GRCh38, chr8:22,123,657, plus strand): 5'-CAGTCCCCCTGAGGGCTCCATCCCGCCCTCCCACCCCCAGCCCCTCTCCTACCTGCTTTC[T>C]CCCTGGCCCGCCCAGTGCCTGCCACACGACCACAGGCCACACACAGCCGGTGGCTGCAGC-3'
Protein context (NP_005135.2, residues 626-646): GRVAGTGRAR[Glu636Gly]KAGFQEQSAE

ClinVar aggregate classification (germline): Benign. Review status: criteria provided, multiple submitters, no conflicts (2 of 4 stars). 4 submissions from 3 submitters: Benign (4). Last evaluated 2025-09-17.

Conditions:
Atrichia with papular lesions (APL). Also called: PAPULAR ATRICHIA. Identifiers: Orphanet 86819, MedGen C1859592, MONDO:0008847, OMIM 209500.
Alopecia universalis congenita (ALUNC). Also called: ATRICHIA, GENERALIZED. Identifiers: Orphanet 701, MedGen C1859877, MONDO:0008757, OMIM 203655.

Allele frequency attached by ClinVar (database versions not stated): gnomAD exomes 0.00118 and 0.00238; ExAC 0.00398; ESP Exome Variant Server 0.00762; 1000 Genomes Project 0.00839; 1000 Genomes Project 30x 0.00874; gnomAD 0.01109 and 0.01168; TOPMed 0.01156.
gnomAD v4.1: 2,858 of 1,220,628 alleles (0.23%); highest among the groups gnomAD compares: African/African-American, 4.2%; 44 homozygotes.

Submissions (4):

Labcorp Genetics (formerly Invitae), Labcorp
Classification: Benign. Last evaluated: 2025-09-17. Review status: criteria provided, single submitter. Criteria: Invitae Variant Classification Sherloc (09022015). Collection method: clinical testing. Allele origin: germline.

Illumina Laboratory Services, Illumina
Classification: Benign for Atrichia with papular lesions. Last evaluated: 2018-01-12. Review status: criteria provided, single submitter. Criteria: ICSL Variant Classification Criteria 13 December 2019. Collection method: clinical testing. Allele origin: germline.
Comment: This variant was observed in the ICSL laboratory as part of a predisposition screen in an ostensibly healthy population. It had not been previously curated by ICSL or reported in the Human Gene Mutation Database (HGMD: prior to June 1st, 2018), and was therefore a candidate for classification through an automated scoring system. Utilizing variant allele frequency, disease prevalence and penetrance estimates, and inheritance mode, an automated score was calculated to assess if this variant is too frequent to cause the disease. Based on the score and internal cut-off values, a variant classified as benign is not then subjected to further curation. The score for this variant resulted in a classification of benign for this disease.

Illumina Laboratory Services, Illumina
Classification: Benign for Alopecia universalis congenita. Last evaluated: 2018-01-12. Review status: criteria provided, single submitter. Criteria: ICSL Variant Classification Criteria 13 December 2019. Collection method: clinical testing. Allele origin: germline.
Comment: the same text as in the submission from Illumina Laboratory Services, Illumina above.

Breakthrough Genomics
Classification: Benign. Review status: criteria provided, single submitter. Criteria: ACMG Guidelines, 2015. Collection method: not provided. Allele origin: germline. Inheritance: Autosomal recessive inheritance. Affected: yes.